The following is an entry in ClinVar:

NM_000562.3(C8A):c.835T>G (p.Leu279Val)

Gene: C8A (complement C8 alpha chain; plus strand). Cytogenetic location: 1p32.2.
Variant type: single nucleotide variant.
Coding change: c.835T>G on transcript NM_000562.3 (MANE Select); coding-DNA position 835, T replaced by G.
Protein change: p.Leu279Val; replaces leucine 279 with valine.
Molecular consequence: missense variant.
Genome position (GRCh38, 1-based): chr1:56,883,661, T>G. VCF-style: chr1-56883661-T-G. GRCh37 (hg19) VCF-style: chr1-57349334-T-G.
Other names: short protein forms L279V.
Identifiers: ClinVar variation 4714105 (VCV004714105.1).

ClinVar aggregate classification (germline): Uncertain significance (1 of 4 stars; one submission).

Submission:

Labcorp Genetics (formerly Invitae), Labcorp
Classification: Uncertain significance. Last evaluated: 2025-02-28. Review status: criteria provided, single submitter. Criteria: Invitae Variant Classification Sherloc (09022015). Collection method: clinical testing. Allele origin: germline.
Comment: This sequence change replaces leucine, which is neutral and non-polar, with valine, which is neutral and non-polar, at codon 279 of the C8A protein (p.Leu279Val). This variant is not present in population databases (gnomAD no frequency). This variant has not been reported in the literature in individuals affected with C8A-related conditions. An algorithm developed to predict the effect of missense changes on protein structure and function outputs the following: PolyPhen-2: "Benign". The valine amino acid residue is found in multiple mammalian species, which suggests that this missense change does not adversely affect protein function. In summary, the available evidence is currently insufficient to determine the role of this variant in disease. Therefore, it has been classified as a Variant of Uncertain Significance.